The following is an entry in ClinVar:

NM_000152.5(GAA):c.2363C>A (p.Pro788His)

Gene: GAA (alpha glucosidase; plus strand). Cytogenetic location: 17q25.3.
Variant type: single nucleotide variant.
Coding change: c.2363C>A on transcript NM_000152.5 (MANE Select); coding-DNA position 2363, C replaced by A.
Protein change: p.Pro788His; replaces proline 788 with histidine.
Molecular consequence: missense variant.
Genome position (GRCh38, 1-based): chr17:80,117,631, C>A. VCF-style: chr17-80117631-C-A. GRCh37 (hg19) VCF-style: chr17-78091430-C-A.
Other names: c.2363C>A, p.Pro788His (NM_001079803.3, NM_001079804.3, NM_001406741.1 and 1 more transcripts); short protein forms P788H.
Identifiers: ClinVar variation 1964474 (VCV001964474.2), dbSNP rs2510398900, ClinGen allele CA401325031.

ClinVar aggregate classification (germline): Uncertain significance (1 of 4 stars; one submission).

Conditions:
Glycogen storage disease, type II (IOPD). Also called: Glucosidase acid-1,4-alpha deficiency; Pompe Disease; CARDIOMEGALIA GLYCOGENICA DIFFUSA; POMPE DISEASE, INFANTILE-ONSET; GLYCOGEN STORAGE DISEASE II, INFANTILE-ONSET; ACID ALPHA-GLUCOSIDASE DEFICIENCY, INFANTILE-ONSET. Identifiers: Orphanet 365, MedGen C0017921, MONDO:0009290, OMIM 232300.

Submission:

Labcorp Genetics (formerly Invitae), Labcorp
Classification: Uncertain significance for Glycogen storage disease, type II. Last evaluated: 2021-08-09. Review status: criteria provided, single submitter. Criteria: Invitae Variant Classification Sherloc (09022015). Collection method: clinical testing. Allele origin: germline.
Comment: This sequence change replaces proline with histidine at codon 788 of the GAA protein (p.Pro788His). The proline residue is moderately conserved and there is a moderate physicochemical difference between proline and histidine. This variant is not present in population databases (ExAC no frequency). This variant has not been reported in the literature in individuals affected with GAA-related conditions. Advanced modeling of protein sequence and biophysical properties (such as structural, functional, and spatial information, amino acid conservation, physicochemical variation, residue mobility, and thermodynamic stability) performed at Invitae indicates that this missense variant is not expected to disrupt GAA protein function. In summary, the available evidence is currently insufficient to determine the role of this variant in disease. Therefore, it has been classified as a Variant of Uncertain Significance.